The following is an entry in ClinVar:

ClinVar aggregate classification (germline): Uncertain significance. Review status: criteria provided, multiple submitters, no conflicts (2 of 4 stars). 2 submissions from 2 submitters: Uncertain significance (2). Last evaluated 2024-11-03.

Conditions:
Charcot-Marie-Tooth disease dominant intermediate C (CMTDIC). Also called: CHARCOT-MARIE-TOOTH NEUROPATHY, DOMINANT INTERMEDIATE C. Identifiers: Orphanet 100045, MedGen C1842237, MONDO:0012012, OMIM 608323.

Allele frequency attached by ClinVar (database versions not stated): gnomAD exomes below 0.00001 and 0.00003; ExAC 0.00001; TOPMed 0.00001; gnomAD 0.00002.
gnomAD v4.1: 46 of 1,613,888 alleles (0.0029%); highest among the groups gnomAD compares: Non-Finnish European, 0.0036%; no homozygotes.

Submissions (2):

Labcorp Genetics (formerly Invitae), Labcorp
Classification: Uncertain significance for Charcot-Marie-Tooth disease dominant intermediate C. Last evaluated: 2024-11-03. Review status: criteria provided, single submitter. Criteria: Invitae Variant Classification Sherloc (09022015). Collection method: clinical testing. Allele origin: germline.
Comment: This sequence change falls in intron 9 of the YARS gene. It does not directly change the encoded amino acid sequence of the YARS protein. It affects a nucleotide within the consensus splice site. This variant is present in population databases (rs772446297, gnomAD 0.002%). This variant has not been reported in the literature in individuals affected with YARS-related conditions. ClinVar contains an entry for this variant (Variation ID: 533460). Variants that disrupt the consensus splice site are a relatively common cause of aberrant splicing (PMID: 17576681, 9536098). Algorithms developed to predict the effect of sequence changes on RNA splicing suggest that this variant may disrupt the consensus splice site. In summary, the available evidence is currently insufficient to determine the role of this variant in disease. Therefore, it has been classified as a Variant of Uncertain Significance.

Women's Health and Genetics/Laboratory Corporation of America, LabCorp
Classification: Uncertain significance. Last evaluated: 2024-09-24. Review status: criteria provided, single submitter. Criteria: LabCorp Variant Classification Summary - May 2015. Collection method: clinical testing. Allele origin: germline.
Comment: Variant summary: YARS1 c.1042+3A>C alters a conserved nucleotide located close to a canonical splice site and therefore could affect mRNA splicing, leading to a significantly altered protein sequence. Several computational tools predict a significant impact on normal splicing: Four predict the variant abolishes a 5' splicing donor site. However, these predictions have yet to be confirmed by functional studies. The variant allele was found at a frequency of 7.1e-06 in 282648 control chromosomes (gnomAD). The available data on variant occurrences in the general population are insufficient to allow any conclusion about variant significance. To our knowledge, no occurrence of c.1042+3A>C in individuals affected with YARS1-Related Disorders and no experimental evidence demonstrating its impact on protein function have been reported. ClinVar contains an entry for this variant (Variation ID: 533460). Based on the evidence outlined above, the variant was classified as uncertain significance.

Literature cited by the submitters: PubMed 17576681 (cited by Labcorp Genetics (formerly Invitae), Labcorp); PubMed 9536098 (cited by Labcorp Genetics (formerly Invitae), Labcorp).

NM_003680.4(YARS1):c.1042+3A>C

Gene: YARS1 (tyrosyl-tRNA synthetase 1; minus strand). Cytogenetic location: 1p35.1.
Variant type: single nucleotide variant.
Coding change: c.1042+3A>C on transcript NM_003680.4 (MANE Select); 3 bases into the intron after coding-DNA position 1042, A replaced by C.
Molecular consequence: intron variant.
Genome position (GRCh38, 1-based): chr1:32,782,401, T>G on the plus strand (A>C on the coding strand, the complement: YARS1 is on the minus strand). VCF-style: chr1-32782401-T-G. GRCh37 (hg19) VCF-style: chr1-33248002-T-G.
Identifiers: ClinVar variation 533460 (VCV000533460.10), dbSNP rs772446297, ClinGen allele CA745025.